The following is an entry in ClinVar:

ClinVar aggregate classification (germline): Uncertain significance (1 of 4 stars; one submission).

Conditions:
Welander distal myopathy (WDM). Also called: Gower's muscular dystrophy; Welander distal myopathy, Swedish type; Distal myopathy, Swedish type; MUSCULAR DYSTROPHY, DISTAL, LATE-ONSET, AUTOSOMAL DOMINANT. Identifiers: Orphanet 603, MedGen C0221054, MONDO:0011466, OMIM 604454.

Submission:

Labcorp Genetics (formerly Invitae), Labcorp
Classification: Uncertain significance for Welander distal myopathy. Last evaluated: 2022-07-25. Review status: criteria provided, single submitter. Criteria: Invitae Variant Classification Sherloc (09022015). Collection method: clinical testing. Allele origin: germline.
Comment: In summary, the available evidence is currently insufficient to determine the role of this variant in disease. Therefore, it has been classified as a Variant of Uncertain Significance. Experimental studies and prediction algorithms are not available or were not evaluated, and the functional significance of this variant is currently unknown. This variant has not been reported in the literature in individuals affected with TIA1-related conditions. This variant is not present in population databases (gnomAD no frequency). This sequence change creates a premature translational stop signal (p.Asn367Lysfs*18) in the TIA1 gene. While this is not anticipated to result in nonsense mediated decay, it is expected to disrupt the last 20 amino acid(s) of the TIA1 protein.

NM_022173.4(TIA1):c.1100dup (p.Asn367fs)

Gene: TIA1 (TIA1 cytotoxic granule associated RNA binding protein; minus strand). Cytogenetic location: 2p13.3.
Variant type: Duplication.
Coding change: c.1100dup on transcript NM_022173.4 (MANE Select); coding-DNA position 1100, one base duplicated (A; older notation c.1100dupA).
Protein change: p.Asn367fs; shifts the reading frame from asparagine 367.
Molecular consequence: frameshift variant. On other transcripts: non-coding transcript variant (17).
Genome position (GRCh38, 1-based): chr2:70,212,780, T duplicated on the plus strand (A on the coding strand, the reverse complement: TIA1 is on the minus strand); the first of 4 consecutive T bases (chr2:70,212,780-70,212,783); duplicating any one gives the same sequence. VCF-style (leftmost placement, unchanged base first): chr2-70212779-A-AT. GRCh37 (hg19) VCF-style: chr2-70439911-A-AT.
Other names: c.1097dup, p.Asn366fs (NM_001351508.2); c.1073dup, p.Asn358fs (NM_001351509.2); c.1064dup, p.Asn355fs (NM_001351510.2); c.989dup, p.Asn330fs (NM_001351511.1); c.962dup, p.Asn321fs (NM_001351512.1); c.956dup, p.Asn319fs (NM_001351513.1); c.872dup, p.Asn291fs (NM_001351514.2); c.797dup, p.Asn266fs (NM_001351515.2); and 3 more; short protein forms N226fs, N319fs, N367fs, N330fs, N355fs, N358fs, N366fs, N266fs.
Identifiers: ClinVar variation 2019552 (VCV002019552.4), dbSNP rs2466381093, ClinGen allele CA2580067717.